The following is an entry in ClinVar:

NM_001374736.1(DST):c.16409G>A (p.Ser5470Asn)

Gene: DST (dystonin; minus strand). Cytogenetic location: 6p12.1.
Variant type: single nucleotide variant.
Coding change: c.16409G>A on transcript NM_001374736.1 (MANE Select); coding-DNA position 16409, G replaced by A.
Protein change: p.Ser5470Asn; replaces serine 5470 with asparagine.
Molecular consequence: missense variant.
Genome position (GRCh38, 1-based): chr6:56,552,383, C>T on the plus strand (G>A on the coding strand, the complement: DST is on the minus strand). VCF-style: chr6-56552383-C-T. GRCh37 (hg19) VCF-style: chr6-56417181-C-T.
Other names: c.10052G>A (NM_001144769.2); c.10052G>A, p.Ser3351Asn (NM_001144769.5); c.9638G>A, p.Ser3213Asn (NM_001144770.2); c.16409G>A, p.Ser5470Asn (NM_001374722.1); c.15776G>A, p.Ser5259Asn (NM_001374729.1); c.9518G>A, p.Ser3173Asn (NM_001374730.1, NM_001386100.1, NM_183380.4); c.16436G>A, p.Ser5479Asn (NM_001374734.1); c.8540G>A, p.Ser2847Asn (NM_015548.5); short protein forms S5259N, S3173N, S3351N, S2847N, S3213N, S5470N, S5479N.
Identifiers: ClinVar variation 1352161 (VCV001352161.6), dbSNP rs769401147, ClinGen allele CA3867683.
Genomic context (GRCh38, chr6:56,552,383, plus strand): 5'-GTCCCTTCAACCTGCTCTTCTCTGGCTTGGGCTCGGTCCAGTAACTTGTTGCATTGTTTG[C>T]TTAAGGCCTCCAAGTCCCTTTTGATTCCAACAAGGTCAGGAGAGGTTTCTTCTGTGGCTA-3'
Protein context (NP_001361665.1, residues 5460-5480): VGIKRDLEAL[Ser5470Asn]KQCNKLLDRA

ClinVar aggregate classification (germline): Uncertain significance. Review status: criteria provided, multiple submitters, no conflicts (2 of 4 stars). 4 submissions from 4 submitters: Uncertain significance (3). 1 of the submissions does not count toward it. Last evaluated 2024-09-03.

Conditions:
DST-related disorder. Also called: DST-related condition; DST-related disorders.
Inborn genetic diseases. Identifiers: MedGen C0950123, MeSH D030342.
Epidermolysis bullosa simplex 3, localized or generalized intermediate, with BP230 deficiency (EBS3). Also called: Epidermolysis bullosa simplex, autosomal recessive 2; Epidermolysis bullosa simplex due to BP230 deficiency. Identifiers: Orphanet 412181, MedGen C3809470, MONDO:0014180, OMIM 615425.
Hereditary sensory and autonomic neuropathy type 6. Also called: HSAN VI; Neuropathy, hereditary sensory and autonomic, type VI. Identifiers: Orphanet 314381, MedGen C3539003, MONDO:0013839, OMIM 614653.

Allele frequency attached by ClinVar (database versions not stated): gnomAD exomes 0.00005 and 0.00006; ExAC 0.00006; TOPMed 0.00006; gnomAD 0.00008 and 0.00009.
gnomAD v4.1: 88 of 1,613,814 alleles (0.0055%); highest among the groups gnomAD compares: Middle Eastern, 0.12%; no homozygotes.

Submissions (4):

Blueprint Genetics
Classification: Uncertain significance. Last evaluated: 2024-09-03. Review status: criteria provided, single submitter. Criteria: ACMG Guidelines, 2015. Collection method: clinical testing. Allele origin: germline.

Labcorp Genetics (formerly Invitae), Labcorp
Classification: Uncertain significance for Epidermolysis bullosa simplex 3, localized or generalized intermediate, with BP230 deficiency; Hereditary sensory and autonomic neuropathy type 6. Last evaluated: 2022-08-21. Review status: criteria provided, single submitter. Criteria: Invitae Variant Classification Sherloc (09022015). Collection method: clinical testing. Allele origin: germline.
Comment: The DST gene has multiple clinically relevant transcripts. This variant occurs in alternate transcript NM_15548.4, and corresponds to NM_001723.5:c.*63134G>A in the primary transcript This sequence change replaces serine, which is neutral and polar, with asparagine, which is neutral and polar, at codon 2847 of the DST protein (p.Ser2847Asn). The frequency data for this variant in the population databases is considered unreliable, as metrics indicate poor data quality at this position in the gnomAD database. This variant has not been reported in the literature in individuals affected with DST-related conditions. Experimental studies and prediction algorithms are not available or were not evaluated, and the functional significance of this variant is currently unknown. In summary, the available evidence is currently insufficient to determine the role of this variant in disease. Therefore, it has been classified as a Variant of Uncertain Significance.

Ambry Genetics
Classification: Uncertain significance for Inborn genetic diseases. Last evaluated: 2021-06-08. Review status: criteria provided, single submitter. Criteria: Ambry Variant Classification Scheme 2023. Collection method: clinical testing. Allele origin: germline.
Comment: The p.S3351N variant (also known as c.10052G>A), located in coding exon 55 of the DST gene, results from a G to A substitution at nucleotide position 10052. The serine at codon 3351 is replaced by asparagine, an amino acid with highly similar properties. This amino acid position is not well conserved in available vertebrate species, and asparagine is the reference amino acid in other vertebrate species. In addition, this alteration is predicted to be tolerated by in silico analysis. Since supporting evidence is limited at this time, the clinical significance of this alteration remains unclear.

PreventionGenetics, part of Exact Sciences
Classification: Uncertain significance for DST-related condition. Last evaluated: 2024-08-31. Review status: no assertion criteria provided. Collection method: clinical testing. Allele origin: germline. Not counted in ClinVar's aggregate classification.
Comment: The DST c.10052G>A variant is predicted to result in the amino acid substitution p.Ser3351Asn. To our knowledge, this variant has not been reported in the literature. This variant is reported in 0.0097% of alleles in individuals of Ashkenazi Jewish descent in gnomAD. At this time, the clinical significance of this variant is uncertain due to the absence of conclusive functional and genetic evidence.